The following is an entry in ClinVar:

NM_001005242.3(PKP2):c.1269A>G (p.Val423=)

Gene: PKP2 (plakophilin 2; minus strand). Cytogenetic location: 12p11.21.
Variant type: single nucleotide variant.
Coding change: c.1269A>G on transcript NM_001005242.3 (MANE Select); coding-DNA position 1269, A replaced by G.
Protein change: p.Val423=; no amino-acid change (valine 423 retained).
Molecular consequence: synonymous variant.
Genome position (GRCh38, 1-based): chr12:32,850,875, T>C on the plus strand (A>G on the coding strand, the complement: PKP2 is on the minus strand). VCF-style: chr12-32850875-T-C. GRCh37 (hg19) VCF-style: chr12-33003809-T-C.
Other names: c.1269A>G, p.Val423= (NM_004572.4).
Identifiers: ClinVar variation 1172344 (VCV001172344.5), dbSNP rs2137862829, ClinGen allele CA479177920.

ClinVar aggregate classification (germline): Likely benign. Review status: criteria provided, multiple submitters, no conflicts (2 of 4 stars). 3 submissions from 3 submitters: Likely benign (3). Last evaluated 2026-02-07.

Conditions:
Cardiovascular phenotype. Identifiers: MedGen CN230736.
Arrhythmogenic right ventricular cardiomyopathy (ARVD). Also called: Cardiomyopathy, ARVC; Arrhythmogenic right ventricular dysplasia; Arrhythmogenic cardiomyopathy; Arrhythmogenic Right Ventricular Cardiomyopathy (ARVC). Identifiers: Orphanet 247, MedGen C0349788, MeSH D019571, MONDO:0016587. Disease mechanism: loss of function. Inheritance: Various modes of inheritance.
Cardiomyopathy (CMYO). Also called: Cardiomyopathies. Identifiers: Orphanet 167848, MedGen C0878544, MONDO:0004994, HP:0001638. Inheritance: Various modes of inheritance.

Allele frequency attached by ClinVar (database versions not stated): gnomAD exomes below 0.00001.
gnomAD v4.1: 1 of 1,614,030 alleles (0.000062%); highest among the groups gnomAD compares: Middle Eastern, 0.017%; no homozygotes.

Submissions (3):

Ambry Genetics
Classification: Likely benign for Cardiovascular phenotype. Last evaluated: 2026-02-07. Review status: criteria provided, single submitter. Criteria: Ambry Variant Classification Scheme 2023. Collection method: clinical testing. Allele origin: germline.

All of Us Research Program, National Institutes of Health
Classification: Likely benign for Arrhythmogenic right ventricular cardiomyopathy. Last evaluated: 2024-05-14. Review status: criteria provided, single submitter. Criteria: ACMG Guidelines, 2015. Collection method: clinical testing. Allele origin: germline. Inheritance: Autosomal dominant inheritance. Observed: 2 variant alleles, 2 heterozygotes.
Comment: This study involves interpretation of variants in research participants for the purpose of population health screening. Participant phenotype was not available at the time of variant classification. Additional details can be found in publication PMID: 35346344, PMCID: PMC8962531

Color Diagnostics, LLC DBA Color Health
Classification: Likely benign for Cardiomyopathy. Last evaluated: 2020-09-15. Review status: criteria provided, single submitter. Criteria: ACMG Guidelines, 2015. Collection method: clinical testing. Allele origin: germline.